The following is an entry in ClinVar:

ClinVar aggregate classification (germline): Uncertain significance (1 of 4 stars; one submission).

gnomAD v4.1: 1 of 1,614,236 alleles (0.000062%); highest among the groups gnomAD compares: Non-Finnish European, 0.000085%; no homozygotes.

Submission:

Labcorp Genetics (formerly Invitae), Labcorp
Classification: Uncertain significance. Last evaluated: 2021-06-13. Review status: criteria provided, single submitter. Criteria: Invitae Variant Classification Sherloc (09022015). Collection method: clinical testing. Allele origin: germline.
Comment: This sequence change replaces valine with leucine at codon 655 of the CAD protein (p.Val655Leu). The valine residue is highly conserved and there is a small physicochemical difference between valine and leucine. This variant is not present in population databases (ExAC no frequency). This variant has not been reported in the literature in individuals with CAD-related conditions. Algorithms developed to predict the effect of missense changes on protein structure and function are either unavailable or do not agree on the potential impact of this missense change (SIFT: "Deleterious"; PolyPhen-2: "Benign"; Align-GVGD: "Class C0"). In summary, the available evidence is currently insufficient to determine the role of this variant in disease. Therefore, it has been classified as a Variant of Uncertain Significance.

NM_004341.5(CAD):c.1963G>T (p.Val655Leu)

Gene: CAD (carbamoyl-phosphate synthetase 2, aspartate transcarbamylase, and dihydroorotase; plus strand). Cytogenetic location: 2p23.3.
Variant type: single nucleotide variant.
Coding change: c.1963G>T on transcript NM_004341.5 (MANE Select); coding-DNA position 1963, G replaced by T.
Protein change: p.Val655Leu; replaces valine 655 with leucine.
Molecular consequence: missense variant. On other transcripts: intron variant (1).
Genome position (GRCh38, 1-based): chr2:27,226,251, G>T. VCF-style: chr2-27226251-G-T. GRCh37 (hg19) VCF-style: chr2-27449119-G-T.
Other names: c.1843-274G>T (NM_001306079.2); short protein forms V655L.
Identifiers: ClinVar variation 1360823 (VCV001360823.8), dbSNP rs2148066797, ClinGen allele CA346206968.